The following is an entry in ClinVar:

ClinVar aggregate classification (germline): Conflicting classifications of pathogenicity. Review status: criteria provided, conflicting classifications (1 of 4 stars). 3 submissions from 3 submitters: Uncertain significance (1); Likely benign (1). 1 of the submissions does not count toward it. Last evaluated 2026-02-02.

Conditions:
PUS1-related disorder. Also called: PUS1-related condition.

Allele frequency attached by ClinVar (database versions not stated): TOPMed 0.00006; gnomAD 0.00007; gnomAD exomes 0.00007; ESP Exome Variant Server 0.00008; ExAC 0.00016.

Submissions (3):

Labcorp Genetics (formerly Invitae), Labcorp
Classification: Uncertain significance. Last evaluated: 2026-02-02. Review status: criteria provided, single submitter. Criteria: Invitae Variant Classification Sherloc (09022015). Collection method: clinical testing. Allele origin: germline.
Comment: This sequence change falls in intron 4 of the PUS1 gene. It does not directly change the encoded amino acid sequence of the PUS1 protein. It affects a nucleotide within the consensus splice site. This variant is present in population databases (rs761410867, gnomAD 0.08%). This variant has not been reported in the literature in individuals affected with PUS1-related conditions. ClinVar contains an entry for this variant (Variation ID: 2063115). Variants that disrupt the consensus splice site are a relatively common cause of aberrant splicing (PMID: 17576681, 9536098). Algorithms developed to predict the effect of sequence changes on RNA splicing suggest that this variant is not likely to affect RNA splicing. In summary, the available evidence is currently insufficient to determine the role of this variant in disease. Therefore, it has been classified as a Variant of Uncertain Significance.

Mayo Clinic Laboratories, Mayo Clinic
Classification: Likely benign. Last evaluated: 2025-05-07. Review status: criteria provided, single submitter. Criteria: ACMG Guidelines, 2015. Collection method: clinical testing. Allele origin: germline. Observed: 1 variant allele.
Comment: BP4, BP7

PreventionGenetics, part of Exact Sciences
Classification: Likely benign for PUS1-related condition. Last evaluated: 2019-05-06. Review status: no assertion criteria provided. Collection method: clinical testing. Allele origin: germline. Not counted in ClinVar's aggregate classification.
Comment: This variant is classified as likely benign based on ACMG/AMP sequence variant interpretation guidelines (Richards et al. 2015 PMID: 25741868, with internal and published modifications).

Literature cited by the submitters: PubMed 17576681 (cited by Labcorp Genetics (formerly Invitae), Labcorp); PubMed 9536098 (cited by Labcorp Genetics (formerly Invitae), Labcorp).

NM_025215.6(PUS1):c.545-3del

Gene: PUS1 (pseudouridine synthase 1; plus strand). Cytogenetic location: 12q24.33.
Variant type: Deletion.
Coding change: c.545-3del on transcript NM_025215.6 (MANE Select); 3 bases into the intron before coding-DNA position 545, one base deleted (T; older notation c.545-3delT).
Molecular consequence: intron variant.
Genome position (GRCh38, 1-based): chr12:131,941,289, T deleted. VCF-style (leftmost placement, unchanged base first): chr12-131941288-CT-C. GRCh37 (hg19) VCF-style: chr12-132425833-CT-C.
Other names: p.?; c.545-3delT (NM_025215.5); c.461-3del (NM_001002019.3, NM_001002020.3).
Identifiers: ClinVar variation 2063115 (VCV002063115.5), dbSNP rs761410867, ClinGen allele CA6884187.